The following is an entry in ClinVar:

ClinVar aggregate classification (germline): Uncertain significance (1 of 4 stars; one submission).

Submission:

CeGaT Center for Human Genetics Tuebingen
Classification: Uncertain significance. Last evaluated: 2026-09-01. Review status: criteria provided, single submitter. Criteria: CeGaT Center For Human Genetics Tuebingen Variant Classification Criteria Version 2. Collection method: clinical testing. Allele origin: germline. Affected: yes. Observed: 1 variant allele.
Comment: ALMS1: PM2, BP4

NM_001378454.1(ALMS1):c.5480G>A (p.Gly1827Asp)

Gene: ALMS1 (ALMS1 centrosome and basal body associated protein; plus strand). Cytogenetic location: 2p13.1.
Variant type: single nucleotide variant.
Coding change: c.5480G>A on transcript NM_001378454.1 (MANE Select); coding-DNA position 5480, G replaced by A.
Protein change: p.Gly1827Asp; replaces glycine 1827 with aspartic acid.
Molecular consequence: missense variant.
Genome position (GRCh38, 1-based): chr2:73,452,007, G>A. VCF-style: chr2-73452007-G-A. GRCh37 (hg19) VCF-style: chr2-73679134-G-A.
Other names: c.5483G>A, p.Gly1828Asp (NM_015120.4); short protein forms G1827D, G1828D.
Identifiers: ClinVar variation 5041833 (VCV005041833.1).